The following is an entry in ClinVar:

NM_004168.4(SDHA):c.365A>G (p.His122Arg)

Gene: SDHA (succinate dehydrogenase complex flavoprotein subunit A; plus strand). Cytogenetic location: 5p15.33.
Variant type: single nucleotide variant.
Coding change: c.365A>G on transcript NM_004168.4 (MANE Select); coding-DNA position 365, A replaced by G.
Protein change: p.His122Arg; replaces histidine 122 with arginine.
Molecular consequence: missense variant. On other transcripts: intron variant (1).
Genome position (GRCh38, 1-based): chr5:225,471, A>G. VCF-style: chr5-225471-A-G. GRCh37 (hg19) VCF-style: chr5-225586-A-G.
Other names: c.365A>G, p.His122Arg (NM_001330758.2); c.313-412A>G (NM_001294332.2); c.365A>G (NM_004168.2); short protein forms H122R.
Identifiers: ClinVar variation 659802 (VCV000659802.12), dbSNP rs1579384131, ClinGen allele CA359009335.

ClinVar aggregate classification (germline): Uncertain significance. Review status: criteria provided, multiple submitters, no conflicts (2 of 4 stars). 3 submissions from 3 submitters: Uncertain significance (3). Last evaluated 2026-01-02.

Conditions:
Pheochromocytoma/paraganglioma syndrome 5. Also called: Paragangliomas 5; SDHA-Related Hereditary Paraganglioma-Pheochromocytoma Syndrome. Identifiers: Orphanet 29072, MedGen C3279992, MONDO:0013602, OMIM 614165.
Mitochondrial complex II deficiency, nuclear type 1. Also called: SUCCINATE CoQ REDUCTASE DEFICIENCY. Identifiers: Orphanet 3208, MedGen C5700310, MONDO:0100294, OMIM 252011.
Neurodegeneration with ataxia and late-onset optic atrophy. Identifiers: MedGen C5543254, MONDO:0031006, OMIM 619259.
Dilated cardiomyopathy 1GG (CMD1GG). Identifiers: Orphanet 154, MedGen C3150898, MONDO:0013339, OMIM 613642.
Hereditary cancer-predisposing syndrome. Also called: Tumor predisposition; Neoplastic Syndromes, Hereditary; Hereditary Cancer Syndrome; Hereditary neoplastic syndrome. Identifiers: Orphanet 140162, MedGen C0027672, MeSH D009386, MONDO:0015356.

Allele frequency attached by ClinVar (database versions not stated): gnomAD exomes below 0.00001.
gnomAD v4.1: 2 of 1,613,578 alleles (0.00012%); highest among the groups gnomAD compares: Non-Finnish European, 0.000085%; no homozygotes.

Submissions (3):

Labcorp Genetics (formerly Invitae), Labcorp
Classification: Uncertain significance for Pheochromocytoma/paraganglioma syndrome 5; Mitochondrial complex II deficiency, nuclear type 1. Last evaluated: 2026-01-02. Review status: criteria provided, single submitter. Criteria: Invitae Variant Classification Sherloc (09022015). Collection method: clinical testing. Allele origin: germline.
Comment: This sequence change replaces histidine, which is basic and polar, with arginine, which is basic and polar, at codon 122 of the SDHA protein (p.His122Arg). This variant is not present in population databases (gnomAD no frequency). This variant has not been reported in the literature in individuals affected with SDHA-related conditions. ClinVar contains an entry for this variant (Variation ID: 659802). Invitae Evidence Modeling of protein sequence and biophysical properties (such as structural, functional, and spatial information, amino acid conservation, physicochemical variation, residue mobility, and thermodynamic stability) has been performed for this missense variant. However, the output from this modeling did not meet the statistical confidence thresholds required to predict the impact of this variant on SDHA protein function. In summary, the available evidence is currently insufficient to determine the role of this variant in disease. Therefore, it has been classified as a Variant of Uncertain Significance.

Ambry Genetics
Classification: Uncertain significance for Hereditary cancer-predisposing syndrome. Last evaluated: 2023-05-20. Review status: criteria provided, single submitter. Criteria: Ambry Variant Classification Scheme 2023. Collection method: clinical testing. Allele origin: germline.
Comment: The p.H122R variant (also known as c.365A>G), located in coding exon 4 of the SDHA gene, results from an A to G substitution at nucleotide position 365. The histidine at codon 122 is replaced by arginine, an amino acid with highly similar properties. This amino acid position is highly conserved in available vertebrate species. In addition, this alteration is predicted to be deleterious by in silico analysis. Since supporting evidence is limited at this time, the clinical significance of this alteration remains unclear.

Fulgent Genetics
Classification: Uncertain significance for Mitochondrial complex II deficiency, nuclear type 1; Dilated cardiomyopathy 1GG; Pheochromocytoma/paraganglioma syndrome 5; Neurodegeneration with ataxia and late-onset optic atrophy. Last evaluated: 2022-01-18. Review status: criteria provided, single submitter. Criteria: ACMG Guidelines, 2015. Collection method: clinical testing. Allele origin: unknown.